The following is an entry in ClinVar:

NM_001174147.2(LMX1B):c.1153G>A (p.Val385Met)

Gene: LMX1B (LIM homeobox transcription factor 1 beta; plus strand). Cytogenetic location: 9q33.3.
Variant type: single nucleotide variant.
Coding change: c.1153G>A on transcript NM_001174147.2 (MANE Select); coding-DNA position 1153, G replaced by A.
Protein change: p.Val385Met; replaces valine 385 with methionine.
Molecular consequence: missense variant.
Genome position (GRCh38, 1-based): chr9:126,696,395, G>A. VCF-style: chr9-126696395-G-A. GRCh37 (hg19) VCF-style: chr9-129458674-G-A.
Other names: c.1165G>A, p.Val389Met (NM_001174146.2); c.1132G>A, p.Val378Met (NM_002316.4); short protein forms V389M, V378M, V385M.
Identifiers: ClinVar variation 1520811 (VCV001520811.9), dbSNP rs750526845, ClinGen allele CA5242574.

ClinVar aggregate classification (germline): Conflicting classifications of pathogenicity. Review status: criteria provided, conflicting classifications (1 of 4 stars). 3 submissions from 3 submitters: Uncertain significance (2); Likely benign (1). Last evaluated 2024-02-04.

Conditions:
Focal segmental glomerulosclerosis (FSGS). Also called: Glomerulosclerosis, focal; Focal sclerosis with hyalinosis. Identifiers: MedGen C0017668, MONDO:0100313, HP:0000097. Disease mechanism: loss of function.
Nail-patella syndrome (NPS). Also called: ONYCHOOSTEODYSPLASIA; TURNER-KIESER SYNDROME; FONG DISEASE. Identifiers: Orphanet 2614, MedGen C0027341, MONDO:0008061, OMIM 161200.
Nail-patella-like renal disease. Also called: GLOMERULAR BASEMENT MEMBRANE DISEASE, NAIL-PATELLA SYNDROME TYPE; Focal Segmental Glomerulosclerosis 10. Identifiers: Orphanet 2613, MedGen C0403548, MONDO:0009724, OMIM 256020.

Allele frequency attached by ClinVar (database versions not stated): gnomAD 0.00001; ExAC 0.00002; gnomAD exomes 0.00002 and 0.00003; TOPMed 0.00002.
gnomAD v4.1: 33 of 1,613,948 alleles (0.002%); highest among the groups gnomAD compares: Non-Finnish European, 0.0025%; no homozygotes.

Submissions (3):

Fulgent Genetics
Classification: Uncertain significance for Nail-patella syndrome; Nail-patella-like renal disease. Last evaluated: 2024-02-04. Review status: criteria provided, single submitter. Criteria: ACMG Guidelines, 2015. Collection method: clinical testing. Allele origin: germline.

Labcorp Genetics (formerly Invitae), Labcorp
Classification: Uncertain significance. Last evaluated: 2021-11-23. Review status: criteria provided, single submitter. Criteria: Invitae Variant Classification Sherloc (09022015). Collection method: clinical testing. Allele origin: germline.
Comment: This sequence change replaces valine, which is neutral and non-polar, with methionine, which is neutral and non-polar, at codon 378 of the LMX1B protein (p.Val378Met). In summary, the available evidence is currently insufficient to determine the role of this variant in disease. Therefore, it has been classified as a Variant of Uncertain Significance. Algorithms developed to predict the effect of missense changes on protein structure and function are either unavailable or do not agree on the potential impact of this missense change (SIFT: "Deleterious"; PolyPhen-2: "Possibly Damaging"; Align-GVGD: "Class C0"). This variant has not been reported in the literature in individuals affected with LMX1B-related conditions. This variant is present in population databases (rs750526845, gnomAD 0.005%).

Genome Diagnostics Laboratory, The Hospital for Sick Children
Classification: Likely benign for Focal segmental glomerulosclerosis. Last evaluated: 2019-12-01. Review status: criteria provided, single submitter. Criteria: ACMG Guidelines, 2015. Collection method: clinical testing. Allele origin: germline.